The following is an entry in ClinVar:

NM_000501.4(ELN):c.710G>A (p.Gly237Asp)

Gene: ELN (elastin; plus strand). Cytogenetic location: 7q11.23.
Variant type: single nucleotide variant.
Coding change: c.710G>A on transcript NM_000501.4 (MANE Select); coding-DNA position 710, G replaced by A.
Protein change: p.Gly237Asp; replaces glycine 237 with aspartic acid.
Molecular consequence: missense variant.
Genome position (GRCh38, 1-based): chr7:74,048,166, G>A. VCF-style: chr7-74048166-G-A. GRCh37 (hg19) VCF-style: chr7-73462496-G-A.
Other names: c.680G>A, p.Gly227Asp (NM_001081752.3, NM_001278917.2); c.725G>A, p.Gly242Asp (NM_001081753.3, NM_001081754.3); c.710G>A, p.Gly237Asp (NM_001081755.3, NM_001278912.2, NM_001278915.2 and 1 more transcripts); c.602G>A, p.Gly201Asp (NM_001278913.2); c.695G>A, p.Gly232Asp (NM_001278914.2); c.668G>A, p.Gly223Asp (NM_001278916.2); c.578G>A, p.Gly193Asp (NM_001278918.2); short protein forms G201D, G242D, G232D, G237D, G223D, G227D, G193D.
Identifiers: ClinVar variation 4737832 (VCV004737832.1).
Genomic context (GRCh38, chr7:74,048,166, plus strand): 5'-CTGCACAGATGACCATCAAGCCTCTCTGTTTTGCAGGCTATGGGCCCGGAGGAGTGGCTG[G>A]TGCAGCGGGCAAGGCTGGTTACCCAACAGGGACAGGTAAGGAAAGCCTCACGTCACTTCC-3'
Protein context (NP_000492.2, residues 227-247): PYGYGPGGVA[Gly237Asp]AAGKAGYPTG

ClinVar aggregate classification (germline): Uncertain significance (1 of 4 stars; one submission).

Conditions:
Supravalvar aortic stenosis (SVAS). Also called: Supravalvar aortic stenosis, Eisenberg type. Identifiers: Orphanet 3193, MedGen C0003499, MONDO:0008504, OMIM 185500, HP:0004381.

gnomAD v4.1: 8 of 1,614,024 alleles (0.0005%); highest among the groups gnomAD compares: South Asian, 0.0011%; no homozygotes.

Submission:

Labcorp Genetics (formerly Invitae), Labcorp
Classification: Uncertain significance for Supravalvar aortic stenosis. Last evaluated: 2026-01-17. Review status: criteria provided, single submitter. Criteria: Invitae Variant Classification Sherloc (09022015). Collection method: clinical testing. Allele origin: germline.
Comment: This sequence change replaces glycine, which is neutral and non-polar, with aspartic acid, which is acidic and polar, at codon 237 of the ELN protein (p.Gly237Asp). This variant is present in population databases (no rsID available, gnomAD 0.0009%). This variant has not been reported in the literature in individuals affected with ELN-related conditions. Invitae Evidence Modeling of protein sequence and biophysical properties (such as structural, functional, and spatial information, amino acid conservation, physicochemical variation, residue mobility, and thermodynamic stability) indicates that this missense variant is not expected to disrupt ELN protein function with a negative predictive value of 80%. In summary, the available evidence is currently insufficient to determine the role of this variant in disease. Therefore, it has been classified as a Variant of Uncertain Significance.